The following is an entry in ClinVar:

ClinVar aggregate classification (germline): Uncertain significance. Review status: criteria provided, multiple submitters, no conflicts (2 of 4 stars). 2 submissions from 2 submitters: Uncertain significance (2). Last evaluated 2025-03-07.

Conditions:
Acute myeloid leukemia (AML). Also called: Acute myeloid leukemia, adult; AML adult; Acute non-lymphocytic leukemia; Acute granulocytic leukemia; Leukemia, acute myeloid, somatic; Leukemia, acute myelogenous, somatic. Identifiers: Orphanet 519, MedGen C0023467, MeSH D015470, MONDO:0018874, OMIM 601626, HP:0004808. Disease mechanism: Constitutively activated FLT3.
Inborn genetic diseases. Identifiers: MedGen C0950123, MeSH D030342.

Submissions (2):

Ambry Genetics
Classification: Uncertain significance for Inborn genetic diseases. Last evaluated: 2025-03-07. Review status: criteria provided, single submitter. Criteria: Ambry Variant Classification Scheme 2023. Collection method: clinical testing. Allele origin: germline.
Comment: The p.H195P variant (also known as c.584A>C), located in coding exon 1 of the CEBPA gene, results from an A to C substitution at nucleotide position 584. The histidine at codon 195 is replaced by proline, an amino acid with similar properties. This amino acid position is conserved. In addition, this alteration is predicted to be tolerated by in silico analysis. Based on the available evidence, the clinical significance of this variant remains unclear.

Labcorp Genetics (formerly Invitae), Labcorp
Classification: Uncertain significance for Acute myeloid leukemia. Last evaluated: 2023-02-07. Review status: criteria provided, single submitter. Criteria: Invitae Variant Classification Sherloc (09022015). Collection method: clinical testing. Allele origin: germline.
Comment: In summary, the available evidence is currently insufficient to determine the role of this variant in disease. Therefore, it has been classified as a Variant of Uncertain Significance. Advanced modeling of protein sequence and biophysical properties (such as structural, functional, and spatial information, amino acid conservation, physicochemical variation, residue mobility, and thermodynamic stability) performed at Invitae indicates that this missense variant is not expected to disrupt CEBPA protein function. This variant has not been reported in the literature in individuals affected with CEBPA-related conditions. This variant is not present in population databases (gnomAD no frequency). This sequence change replaces histidine, which is basic and polar, with proline, which is neutral and non-polar, at codon 195 of the CEBPA protein (p.His195Pro).

NM_004364.5(CEBPA):c.584A>C (p.His195Pro)

Gene: CEBPA (CCAAT enhancer binding protein alpha; minus strand). Cytogenetic location: 19q13.11.
Variant type: single nucleotide variant.
Coding change: c.584A>C on transcript NM_004364.5 (MANE Select); coding-DNA position 584, A replaced by C.
Protein change: p.His195Pro; replaces histidine 195 with proline.
Molecular consequence: missense variant.
Genome position (GRCh38, 1-based): chr19:33,301,831, T>G on the plus strand (A>C on the coding strand, the complement: CEBPA is on the minus strand). VCF-style: chr19-33301831-T-G. GRCh37 (hg19) VCF-style: chr19-33792737-T-G.
Other names: c.227A>C, p.His76Pro (NM_001285829.2); c.689A>C, p.His230Pro (NM_001287424.2); c.542A>C, p.His181Pro (NM_001287435.2); short protein forms H181P, H230P, H76P, H195P.
Identifiers: ClinVar variation 2855575 (VCV002855575.4), dbSNP rs2513330290, ClinGen allele CA405274641.